The following is an entry in ClinVar:

ClinVar aggregate classification (germline): Uncertain significance. Review status: criteria provided, multiple submitters, no conflicts (2 of 4 stars). 2 submissions from 2 submitters: Uncertain significance (2). Last evaluated 2025-03-23.

Conditions:
Brugada syndrome 5 (BRGDA5). Identifiers: Orphanet 130, Orphanet 871, MedGen C2748541, MONDO:0013015, OMIM 612838.

Allele frequency attached by ClinVar (database versions not stated): gnomAD exomes 0.00001; TOPMed 0.00001.
gnomAD v4.1: 1 of 1,551,386 alleles (0.000064%); no homozygotes.

Submissions (2):

Labcorp Genetics (formerly Invitae), Labcorp
Classification: Uncertain significance for Brugada syndrome 5. Last evaluated: 2025-03-23. Review status: criteria provided, single submitter. Criteria: Invitae Variant Classification Sherloc (09022015). Collection method: clinical testing. Allele origin: germline.
Comment: This sequence change replaces glutamine, which is neutral and polar, with leucine, which is neutral and non-polar, at codon 231 of the SCN1B protein (p.Gln231Leu). This variant is present in population databases (no rsID available, gnomAD 0.002%). This variant has not been reported in the literature in individuals affected with SCN1B-related conditions. ClinVar contains an entry for this variant (Variation ID: 863442). An algorithm developed to predict the effect of missense changes on protein structure and function (PolyPhen-2) suggests that this variant is likely to be tolerated. In summary, the available evidence is currently insufficient to determine the role of this variant in disease. Therefore, it has been classified as a Variant of Uncertain Significance.

CeGaT Center for Human Genetics Tuebingen
Classification: Uncertain significance. Last evaluated: 2024-03-01. Review status: criteria provided, single submitter. Criteria: CeGaT Center For Human Genetics Tuebingen Variant Classification Criteria Version 2. Collection method: clinical testing. Allele origin: germline. Affected: yes. Observed: 1 variant allele.
Comment: SCN1B: PM2, BP4

NM_001037.5(SCN1B):c.448+244A>T

Gene: SCN1B (sodium voltage-gated channel beta subunit 1; plus strand). Cytogenetic location: 19q13.11.
Variant type: single nucleotide variant.
Coding change: c.448+244A>T on transcript NM_001037.5 (MANE Select); 244 bases into the intron after coding-DNA position 448, A replaced by T.
Molecular consequence: intron variant. On other transcripts: missense variant (1).
Genome position (GRCh38, 1-based): chr19:35,033,983, A>T. VCF-style: chr19-35033983-A-T. GRCh37 (hg19) VCF-style: chr19-35524887-A-T.
Other names: c.692A>T, p.Gln231Leu (NM_199037.5); c.349+244A>T (NM_001321605.2); short protein forms Q231L.
Identifiers: ClinVar variation 863442 (VCV000863442.30), dbSNP rs1191213109, ClinGen allele CA405329650.